The following is an entry in ClinVar:

NM_001365276.2(TNXB):c.706C>G (p.Arg236Gly)

Gene: TNXB (tenascin XB; minus strand). Cytogenetic location: 6p21.33.
Variant type: single nucleotide variant.
Coding change: c.706C>G on transcript NM_001365276.2 (MANE Select); coding-DNA position 706, C replaced by G.
Protein change: p.Arg236Gly; replaces arginine 236 with glycine.
Molecular consequence: missense variant.
Genome position (GRCh38, 1-based): chr6:32,097,147, G>C on the plus strand (C>G on the coding strand, the complement: TNXB is on the minus strand). VCF-style: chr6-32097147-G-C. GRCh37 (hg19) VCF-style: chr6-32064924-G-C.
Other names: c.706C>G, p.Arg236Gly (NM_001428335.1, NM_019105.8); short protein forms R236G.
Identifiers: ClinVar variation 3227314 (VCV003227314.1), dbSNP rs763079484, ClinGen allele CA363485673.

ClinVar aggregate classification (germline): Uncertain significance (1 of 4 stars; one submission).

Conditions:
Cardiovascular phenotype. Identifiers: MedGen CN230736.

gnomAD v4.1: 5 of 1,597,476 alleles (0.00031%); highest among the groups gnomAD compares: South Asian, 0.0022%; no homozygotes.

Submission:

Ambry Genetics
Classification: Uncertain significance for Cardiovascular phenotype. Last evaluated: 2023-09-30. Review status: criteria provided, single submitter. Criteria: Ambry Variant Classification Scheme 2023. Collection method: clinical testing. Allele origin: germline.
Comment: The p.R236G variant (also known as c.706C>G), located in coding exon 2 of the TNXB gene, results from a C to G substitution at nucleotide position 706. The arginine at codon 236 is replaced by glycine, an amino acid with dissimilar properties. This amino acid position is conserved. In addition, this alteration is predicted to be tolerated by in silico analysis. Since supporting evidence is limited at this time, the clinical significance of this alteration remains unclear.